The following is an entry in ClinVar:

NM_005689.4(ABCB6):c.2420+1G>A

Gene: ABCB6 (ATP binding cassette subfamily B member 6 (LAN blood group); minus strand). Cytogenetic location: 2q35.
Variant type: single nucleotide variant.
Coding change: c.2420+1G>A on transcript NM_005689.4 (MANE Select); the canonical splice donor site of the intron after coding-DNA position 2420, G replaced by A.
Molecular consequence: splice donor variant.
Genome position (GRCh38, 1-based): chr2:219,210,229, C>T on the plus strand (G>A on the coding strand, the complement: ABCB6 is on the minus strand). VCF-style: chr2-219210229-C-T. GRCh37 (hg19) VCF-style: chr2-220074951-C-T.
Other names: p.?; c.2282+1G>A (NM_001349828.2).
Identifiers: ClinVar variation 3379420 (VCV003379420.1).
Genomic context (GRCh38, chr2:219,210,229, plus strand): 5'-GCCCCCTTTCCTGGAGCCCCCAATTCAGAAGACCTGTCCTTTTGATCTATGTGTCTCTTA[C>T]CGTCCCCTCTCCACGATGCAGCCATCCTTGATGACGAGGATCTGGTCAGCATTGACCACA-3'

ClinVar aggregate classification (germline): Uncertain significance (1 of 4 stars; one submission).

gnomAD v4.1: 5 of 1,614,062 alleles (0.00031%); highest among the groups gnomAD compares: African/African-American, 0.0013%; no homozygotes.

Submission:

Mayo Clinic Laboratories, Mayo Clinic
Classification: Uncertain significance. Last evaluated: 2024-03-12. Review status: criteria provided, single submitter. Criteria: ACMG Guidelines, 2015. Collection method: clinical testing. Allele origin: germline. Observed: 1 variant allele.
Comment: PP3, PM2_moderate